The following is an entry in ClinVar:

NM_000368.5(TSC1):c.421C>G (p.Pro141Ala)

Gene: TSC1 (TSC complex subunit 1; minus strand). Cytogenetic location: 9q34.13.
Variant type: single nucleotide variant.
Coding change: c.421C>G on transcript NM_000368.5 (MANE Select); coding-DNA position 421, C replaced by G.
Protein change: p.Pro141Ala; replaces proline 141 with alanine.
Molecular consequence: missense variant.
Genome position (GRCh38, 1-based): chr9:132,923,435, G>C on the plus strand (C>G on the coding strand, the complement: TSC1 is on the minus strand). VCF-style: chr9-132923435-G-C. GRCh37 (hg19) VCF-style: chr9-135798822-G-C.
Other names: c.421C>G, p.Pro141Ala (NM_001162426.2); c.268C>G, p.Pro90Ala (NM_001162427.2); c.58C>G, p.Pro20Ala (NM_001362177.2); short protein forms P141A, P20A, P90A.
Identifiers: ClinVar variation 1015943 (VCV001015943.8), dbSNP rs1846677371, ClinGen allele CA375373511.

ClinVar aggregate classification (germline): Uncertain significance (1 of 4 stars; one submission).

Conditions:
Tuberous sclerosis 1 (TSC1). Identifiers: Orphanet 805, MedGen C1854465, MONDO:0008612, OMIM 191100.

Submission:

Labcorp Genetics (formerly Invitae), Labcorp
Classification: Uncertain significance for Tuberous sclerosis 1. Last evaluated: 2020-08-31. Review status: criteria provided, single submitter. Criteria: Invitae Variant Classification Sherloc (09022015). Collection method: clinical testing. Allele origin: germline.
Comment: This sequence change replaces proline with alanine at codon 141 of the TSC1 protein (p.Pro141Ala). The proline residue is highly conserved and there is a small physicochemical difference between proline and alanine. This variant is not present in population databases (ExAC no frequency). This variant has not been reported in the literature in individuals with TSC1-related conditions. Algorithms developed to predict the effect of missense changes on protein structure and function are either unavailable or do not agree on the potential impact of this missense change (SIFT: "Deleterious"; PolyPhen-2: "Probably Damaging"; Align-GVGD: "Class C0"). In summary, the available evidence is currently insufficient to determine the role of this variant in disease. Therefore, it has been classified as a Variant of Uncertain Significance.